The following is an entry in ClinVar:

NM_022482.5(GZF1):c.707C>G (p.Pro236Arg)

Gene: GZF1 (GDNF inducible zinc finger protein 1; plus strand). Cytogenetic location: 20p11.21.
Variant type: single nucleotide variant.
Coding change: c.707C>G on transcript NM_022482.5 (MANE Select); coding-DNA position 707, C replaced by G.
Protein change: p.Pro236Arg; replaces proline 236 with arginine.
Molecular consequence: missense variant.
Genome position (GRCh38, 1-based): chr20:23,365,090, C>G. VCF-style: chr20-23365090-C-G. GRCh37 (hg19) VCF-style: chr20-23345727-C-G.
Other names: c.707C>G, p.Pro236Arg (NM_001317012.2, NM_001317019.1); c.707C>G (NM_022482.3); short protein forms P236R.
Identifiers: ClinVar variation 2196133 (VCV002196133.4), dbSNP rs139046142, ClinGen allele CA9788553.

ClinVar aggregate classification (germline): Uncertain significance. Review status: criteria provided, multiple submitters, no conflicts (2 of 4 stars). 2 submissions from 2 submitters: Uncertain significance (2). Last evaluated 2024-09-03.

Conditions:
Inborn genetic diseases. Identifiers: MedGen C0950123, MeSH D030342.

Allele frequency attached by ClinVar (database versions not stated): TOPMed 0.00018; ExAC 0.00022; gnomAD 0.00023; gnomAD exomes 0.00026; ESP Exome Variant Server 0.00069.
gnomAD v4.1: 429 of 1,613,844 alleles (0.027%); highest among the groups gnomAD compares: Non-Finnish European, 0.033%; 2 homozygotes.

Submissions (2):

Ambry Genetics
Classification: Uncertain significance for Inborn genetic diseases. Last evaluated: 2024-09-03. Review status: criteria provided, single submitter. Criteria: Ambry Variant Classification Scheme 2023. Collection method: clinical testing. Allele origin: germline.

Labcorp Genetics (formerly Invitae), Labcorp
Classification: Uncertain significance. Last evaluated: 2023-07-07. Review status: criteria provided, single submitter. Criteria: Invitae Variant Classification Sherloc (09022015). Collection method: clinical testing. Allele origin: germline.
Comment: This variant has not been reported in the literature in individuals affected with GZF1-related conditions. This sequence change replaces proline with arginine at codon 236 of the GZF1 protein (p.Pro236Arg). The proline residue is moderately conserved and there is a moderate physicochemical difference between proline and arginine. This variant is present in population databases (rs139046142, gnomAD 0.03%). ClinVar contains an entry for this variant (Variation ID: 2196133). An algorithm developed to predict the effect of missense changes on protein structure and function (PolyPhen-2) suggests that this variant is likely to be disruptive. In summary, the available evidence is currently insufficient to determine the role of this variant in disease. Therefore, it has been classified as a Variant of Uncertain Significance.